The following is an entry in ClinVar:

ClinVar aggregate classification (germline): Uncertain significance (1 of 4 stars; one submission).

Conditions:
Inborn genetic diseases. Identifiers: MedGen C0950123, MeSH D030342.

Submission:

Ambry Genetics
Classification: Uncertain significance for Inborn genetic diseases. Last evaluated: 2023-11-03. Review status: criteria provided, single submitter. Criteria: Ambry Variant Classification Scheme 2023. Collection method: clinical testing. Allele origin: germline.
Comment: The p.I237V variant (also known as c.709A>G), located in coding exon 6 of the EPAS1 gene, results from an A to G substitution at nucleotide position 709. The isoleucine at codon 237 is replaced by valine, an amino acid with highly similar properties. This amino acid position is conserved. In addition, this alteration is predicted to be tolerated by in silico analysis. Since supporting evidence is limited at this time, the clinical significance of this alteration remains unclear.

NM_001430.5(EPAS1):c.709A>G (p.Ile237Val)

Genes: EPAS1 (endothelial PAS domain protein 1; plus strand), LOC126806210 (BRD4-independent group 4 enhancer GRCh37_chr2:46587586-46588785; plus strand). Cytogenetic location: 2p21.
Variant type: single nucleotide variant.
Coding change: c.709A>G on transcript NM_001430.5 (MANE Select); coding-DNA position 709, A replaced by G.
Protein change: p.Ile237Val; replaces isoleucine 237 with valine.
Molecular consequence: missense variant.
Genome position (GRCh38, 1-based): chr2:46,361,020, A>G. VCF-style: chr2-46361020-A-G. GRCh37 (hg19) VCF-style: chr2-46588159-A-G.
Other names: short protein forms I237V.
Identifiers: ClinVar variation 3221669 (VCV003221669.1), dbSNP rs2103637149, ClinGen allele CA346700222.
Genomic context (GRCh38, chr2:46,361,020, plus strand): 5'-CCCCTGCTGTCCTGCCTCATCATCATGTGTGAACCAATCCAGCACCCATCCCACATGGAC[A>G]TCCCCCTGGATAGCAAGACCTTCCTGAGCCGCCACAGCATGGACATGAAGTTCACCTACT-3'
Protein context (NP_001421.2, residues 227-247): EPIQHPSHMD[Ile237Val]PLDSKTFLSR